The following is an entry in ClinVar:

ClinVar aggregate classification (germline): Benign. Review status: criteria provided, multiple submitters, no conflicts (2 of 4 stars). 7 submissions from 7 submitters: Benign (6). 1 of the submissions does not count toward it. Last evaluated 2025-05-29.

Conditions:
Inborn genetic diseases. Identifiers: MedGen C0950123, MeSH D030342.
Nicolaides-Baraitser syndrome (NCBRS). Also called: Intellectual disability-sparse hair-brachydactyly syndrome; SMARCA2-Related Nicolaides-Baraitser Syndrome. Identifiers: Orphanet 3051, MedGen C1303073, MONDO:0011053, OMIM 601358.

Allele frequency attached by ClinVar (database versions not stated): 1000 Genomes Project 30x 0.01608; 1000 Genomes Project 0.01617; TOPMed 0.02549; gnomAD 0.02703 and 0.02801; gnomAD exomes 0.02706; ESP Exome Variant Server 0.02746; ExAC 0.02853.
gnomAD v4.1: 56,111 of 1,608,972 alleles (3.5%); highest among the groups gnomAD compares: Non-Finnish European, 4.1%; 1,146 homozygotes.

Submissions (7):

Labcorp Genetics (formerly Invitae), Labcorp
Classification: Benign. Last evaluated: 2025-05-29. Review status: criteria provided, single submitter. Criteria: Invitae Variant Classification Sherloc (09022015). Collection method: clinical testing. Allele origin: germline.

Mayo Clinic Laboratories, Mayo Clinic
Classification: Benign. Last evaluated: 2022-08-16. Review status: criteria provided, single submitter. Criteria: ACMG Guidelines, 2015. Collection method: clinical testing. Allele origin: germline. Observed: 17 variant alleles.
Comment: BS1, BS2, BP4, BP7

GeneDx
Classification: Benign. Last evaluated: 2018-09-05. Review status: criteria provided, single submitter. Criteria: GeneDx Variant Classification Process June 2021. Collection method: clinical testing. Allele origin: germline. Affected: yes.

Illumina Laboratory Services, Illumina
Classification: Benign for Nicolaides-Baraitser syndrome. Last evaluated: 2018-01-13. Review status: criteria provided, single submitter. Criteria: ICSL Variant Classification Criteria 13 December 2019. Collection method: clinical testing. Allele origin: germline.
Comment: This variant was observed in the ICSL laboratory as part of a predisposition screen in an ostensibly healthy population. It had not been previously curated by ICSL or reported in the Human Gene Mutation Database (HGMD: prior to June 1st, 2018), and was therefore a candidate for classification through an automated scoring system. Utilizing variant allele frequency, disease prevalence and penetrance estimates, and inheritance mode, an automated score was calculated to assess if this variant is too frequent to cause the disease. Based on the score and internal cut-off values, a variant classified as benign is not then subjected to further curation. The score for this variant resulted in a classification of benign for this disease.

Ambry Genetics
Classification: Benign for Inborn genetic diseases. Last evaluated: 2016-05-15. Review status: criteria provided, single submitter. Criteria: Ambry Variant Classification Scheme 2023. Collection method: clinical testing. Allele origin: germline.

Breakthrough Genomics
Classification: Benign. Review status: criteria provided, single submitter. Criteria: ACMG Guidelines, 2015. Collection method: not provided. Allele origin: germline. Inheritance: Autosomal dominant inheritance. Affected: yes.

Genetic Services Laboratory, University of Chicago
Classification: Likely benign for AllHighlyPenetrant. Review status: no assertion criteria provided. Collection method: clinical testing. Allele origin: germline. Inheritance: Autosomal dominant inheritance. Observed: 5 variant alleles. Not counted in ClinVar's aggregate classification.
Comment: Likely benign based on allele frequency in 1000 Genomes Project or ESP global frequency and its presence in a patient with a rare or unrelated disease phenotype. NOT Sanger confirmed.

NM_003070.5(SMARCA2):c.717G>A (p.Pro239=)

Gene: SMARCA2 (SWI/SNF related BAF chromatin remodeling complex subunit ATPase 2; plus strand). Cytogenetic location: 9p24.3.
Variant type: single nucleotide variant.
Coding change: c.717G>A on transcript NM_003070.5 (MANE Select); coding-DNA position 717, G replaced by A.
Protein change: p.Pro239=; no amino-acid change (proline 239 retained).
Molecular consequence: synonymous variant.
Genome position (GRCh38, 1-based): chr9:2,039,827, G>A. VCF-style: chr9-2039827-G-A. GRCh37 (hg19) VCF-style: chr9-2039827-G-A.
Other names: p.Pro239=; c.717G>A, p.Pro239= (NM_001289396.2, NM_001289397.2, NM_139045.4).
Identifiers: ClinVar variation 126354 (VCV000126354.25), dbSNP rs10964525, ClinGen allele CA151101.